The following is an entry in ClinVar:

ClinVar aggregate classification (germline): Likely benign (1 of 4 stars; one submission).

Allele frequency attached by ClinVar (database versions not stated): TOPMed below 0.00001; gnomAD exomes 0.00001.
gnomAD v4.1: 8 of 1,601,568 alleles (0.0005%); highest among the groups gnomAD compares: Non-Finnish European, 0.00068%; no homozygotes.

Submission:

CeGaT Center for Human Genetics Tuebingen
Classification: Likely benign. Last evaluated: 2022-10-01. Review status: criteria provided, single submitter. Criteria: CeGaT Center For Human Genetics Tuebingen Variant Classification Criteria Version 2. Collection method: clinical testing. Allele origin: germline. Affected: yes. Observed: 1 variant allele.
Comment: ZNF281: BP4, BP7

NM_001281293.2(ZNF281):c.399G>A (p.Ala133=)

Gene: ZNF281 (zinc finger protein 281; minus strand). Cytogenetic location: 1q32.1.
Variant type: single nucleotide variant.
Coding change: c.399G>A on transcript NM_001281293.2 (MANE Select); coding-DNA position 399, G replaced by A.
Protein change: p.Ala133=; no amino-acid change (alanine 133 retained).
Molecular consequence: synonymous variant.
Genome position (GRCh38, 1-based): chr1:200,409,307, C>T on the plus strand (G>A on the coding strand, the complement: ZNF281 is on the minus strand). VCF-style: chr1-200409307-C-T. GRCh37 (hg19) VCF-style: chr1-200378435-C-T.
Other names: c.291G>A, p.Ala97= (NM_001281294.2); c.399G>A, p.Ala133= (NM_012482.5).
Identifiers: ClinVar variation 2639715 (VCV002639715.24), dbSNP rs1447306413, ClinGen allele CA422823446.